The following is an entry in ClinVar:

ClinVar aggregate classification (germline): Likely benign. Review status: criteria provided, single submitter (1 of 4 stars). 2 submissions from 2 submitters: Likely benign (1). 1 of the submissions does not count toward it. Last evaluated 2025-05-12.

Conditions:
MCM5-related disorder. Also called: MCM5-related condition.

Allele frequency attached by ClinVar (database versions not stated): gnomAD 0.00003; gnomAD exomes 0.00006; 1000 Genomes Project 0.00060; TOPMed 0.00004; ExAC 0.00006; 1000 Genomes Project 30x 0.00062.
gnomAD v4.1: 88 of 1,613,918 alleles (0.0055%); highest among the groups gnomAD compares: Middle Eastern, 0.051%; 1 homozygote.

Submissions (2):

Labcorp Genetics (formerly Invitae), Labcorp
Classification: Likely benign. Last evaluated: 2025-05-12. Review status: criteria provided, single submitter. Criteria: Invitae Variant Classification Sherloc (09022015). Collection method: clinical testing. Allele origin: germline.

PreventionGenetics, part of Exact Sciences
Classification: Likely benign for MCM5-related condition. Last evaluated: 2019-03-22. Review status: no assertion criteria provided. Collection method: clinical testing. Allele origin: germline. Not counted in ClinVar's aggregate classification.
Comment: This variant is classified as likely benign based on ACMG/AMP sequence variant interpretation guidelines (Richards et al. 2015 PMID: 25741868, with internal and published modifications).

NM_006739.4(MCM5):c.1572C>T (p.His524=)

Gene: MCM5 (minichromosome maintenance complex component 5; plus strand). Cytogenetic location: 22q12.3.
Variant type: single nucleotide variant.
Coding change: c.1572C>T on transcript NM_006739.4 (MANE Select); coding-DNA position 1572, C replaced by T.
Protein change: p.His524=; no amino-acid change (histidine 524 retained).
Molecular consequence: synonymous variant.
Genome position (GRCh38, 1-based): chr22:35,416,796, C>T. VCF-style: chr22-35416796-C-T. GRCh37 (hg19) VCF-style: chr22-35812789-C-T.
Other names: c.1572C>T (NM_006739.3).
Identifiers: ClinVar variation 2754184 (VCV002754184.5), dbSNP rs190706651, ClinGen allele CA10205414.
Genomic context (GRCh38, chr22:35,416,796, plus strand): 5'-TGACTTCATGCCCACCATCTTGTCGCGCTTCGACATGATCTTCATCGTCAAGGATGAGCA[C>T]AATGAGGAGAGGGATGTGGTACGTCCAGGGGCAGGGCTGGTGGCCATGGGACCTGCCTCC-3'
Protein context (NP_006730.2, residues 514-534): FDMIFIVKDE[His524=]NEERDVMLAK